The following is an entry in ClinVar:

NM_000051.4(ATM):c.2639-2A>G

Gene: ATM (ATM serine/threonine kinase; plus strand). Cytogenetic location: 11q22.3.
Variant type: single nucleotide variant.
Coding change: c.2639-2A>G on transcript NM_000051.4 (MANE Select); the canonical splice acceptor site of the intron before coding-DNA position 2639, A replaced by G.
Molecular consequence: splice acceptor variant.
Genome position (GRCh38, 1-based): chr11:108,268,408, A>G. VCF-style: chr11-108268408-A-G. GRCh37 (hg19) VCF-style: chr11-108139135-A-G.
Other names: c.2639-2A>G (NM_001351834.2).
Identifiers: ClinVar variation 962393 (VCV000962393.9), dbSNP rs1591593566, ClinGen allele CA382544962.

ClinVar aggregate classification (germline): Likely pathogenic. Review status: criteria provided, multiple submitters, no conflicts (2 of 4 stars). 2 submissions from 2 submitters: Likely pathogenic (2). Last evaluated 2025-09-06.

Conditions:
Familial cancer of breast. Also called: Hereditary breast cancer; BREAST CANCER, FAMILIAL; hereditary breast carcinoma. Identifiers: Orphanet 227535, MedGen C0346153, MONDO:0016419, OMIM 114480. Disease mechanism: loss of function.
Ataxia-telangiectasia syndrome (AT). Also called: AT, COMPLEMENTATION GROUP C; Ataxia telangiectasia (A-T); Cerebello-oculocutaneous telangiectasia; Immunodeficiency with ataxia telangiectasia; LOUIS-BAR SYNDROME; Ataxia-telangiectasia. Identifiers: Orphanet 100, MedGen C0004135, MONDO:0008840, OMIM 208900.

Submissions (2):

Labcorp Genetics (formerly Invitae), Labcorp
Classification: Likely pathogenic for Ataxia-telangiectasia syndrome. Last evaluated: 2025-09-06. Review status: criteria provided, single submitter. Criteria: Invitae Variant Classification Sherloc (09022015). Collection method: clinical testing. Allele origin: germline.
Comment: This sequence change affects an acceptor splice site in intron 17 of the ATM gene. It is expected to disrupt RNA splicing. Variants that disrupt the donor or acceptor splice site typically lead to a loss of protein function (PMID: 16199547), and loss-of-function variants in ATM are known to be pathogenic (PMID: 23807571, 25614872). This variant is not present in population databases (gnomAD no frequency). This variant has not been reported in the literature in individuals affected with ATM-related conditions. ClinVar contains an entry for this variant (Variation ID: 962393). Algorithms developed to predict the effect of sequence changes on RNA splicing suggest that this variant may disrupt the consensus splice site. In summary, the currently available evidence indicates that the variant is pathogenic, but additional data are needed to prove that conclusively. Therefore, this variant has been classified as Likely Pathogenic.

Myriad Genetics, Inc.
Classification: Likely pathogenic for Familial cancer of breast. Last evaluated: 2024-01-18. Review status: criteria provided, single submitter. Criteria: Myriad Autosomal Dominant, Autosomal Recessive and X-Linked Classification Criteria (2023). Collection method: clinical testing. Allele origin: unknown.
Comment: This variant is considered likely pathogenic. This variant occurs within a consensus splice junction and is predicted to result in abnormal mRNA splicing of either an out-of-frame exon or an in-frame exon necessary for protein stability and/or normal function.

Literature cited by the submitters: PubMed 16199547 (cited by Labcorp Genetics (formerly Invitae), Labcorp); PubMed 23807571 (cited by Labcorp Genetics (formerly Invitae), Labcorp); PubMed 25614872 (cited by Labcorp Genetics (formerly Invitae), Labcorp).